The following is an entry in ClinVar:

NM_174934.4(SCN4B):c.464-11G>A

Gene: SCN4B (sodium voltage-gated channel beta subunit 4; minus strand). Cytogenetic location: 11q23.3.
Variant type: single nucleotide variant.
Coding change: c.464-11G>A on transcript NM_174934.4 (MANE Select); 11 bases into the intron before coding-DNA position 464, G replaced by A.
Molecular consequence: intron variant.
Genome position (GRCh38, 1-based): chr11:118,141,347, C>T on the plus strand (G>A on the coding strand, the complement: SCN4B is on the minus strand). VCF-style: chr11-118141347-C-T. GRCh37 (hg19) VCF-style: chr11-118012062-C-T.
Other names: c.134-11G>A (NM_001142349.2); c.62-11G>A (NM_001142348.2).
Identifiers: ClinVar variation 1387437 (VCV001387437.7), dbSNP rs773494545, ClinGen allele CA6300194.

ClinVar aggregate classification (germline): Uncertain significance (1 of 4 stars; one submission).

Conditions:
Long QT syndrome 10 (LQT10). Identifiers: Orphanet 101016, Orphanet 768, MedGen C2678484, MONDO:0012737, OMIM 611819.

Allele frequency attached by ClinVar (database versions not stated): gnomAD exomes below 0.00001 and 0.00002; ExAC 0.00001; TOPMed 0.00001.
gnomAD v4.1: 6 of 1,612,100 alleles (0.00037%); highest among the groups gnomAD compares: Admixed American, 0.005%; no homozygotes.

Submissions (2):

Labcorp Genetics (formerly Invitae), Labcorp
Classification: Uncertain significance for Long QT syndrome 10. Last evaluated: 2026-01-03. Review status: criteria provided, single submitter. Criteria: Invitae Variant Classification Sherloc (09022015). Collection method: clinical testing. Allele origin: germline.
Comment: This sequence change falls in intron 3 of the SCN4B gene. It does not directly change the encoded amino acid sequence of the SCN4B protein. This variant is present in population databases (rs773494545, gnomAD 0.009%). This variant has not been reported in the literature in individuals affected with SCN4B-related conditions. ClinVar contains an entry for this variant (Variation ID: 1387437). Algorithms developed to predict the effect of sequence changes on RNA splicing suggest that this variant may disrupt the consensus splice site. In summary, the available evidence is currently insufficient to determine the role of this variant in disease. Therefore, it has been classified as a Variant of Uncertain Significance.

Dr. Peter K. Rogan Lab, Western University
No classification provided (evidence only). Condition: Gastric cancer. Review status: no classification provided. Collection method: in vitro. Allele origin: not applicable. Functional consequence: retained intron. Not counted in ClinVar's aggregate classification.